The following is an entry in ClinVar:

NM_001349253.2(SCN11A):c.1257del (p.Met420fs)

Gene: SCN11A (sodium voltage-gated channel alpha subunit 11; minus strand). Cytogenetic location: 3p22.2.
Variant type: Deletion.
Coding change: c.1257del on transcript NM_001349253.2 (MANE Select); coding-DNA position 1257, one base deleted (G; older notation c.1257delG).
Protein change: p.Met420fs; shifts the reading frame from methionine 420.
Molecular consequence: frameshift variant.
Genome position (GRCh38, 1-based): chr3:38,909,039, C deleted on the plus strand (G on the coding strand, the reverse complement: SCN11A is on the minus strand). VCF-style (leftmost placement, unchanged base first): chr3-38909038-TC-T. GRCh37 (hg19) VCF-style: chr3-38950529-TC-T.
Other names: p.Met420Cysfs*9; c.1257del, p.Met420fs (NM_014139.3); short protein forms M420fs.
Identifiers: ClinVar variation 4540855 (VCV004540855.1).

ClinVar aggregate classification (germline): Uncertain significance (1 of 4 stars; one submission).

Submission:

Mayo Clinic Laboratories, Mayo Clinic
Classification: Uncertain significance. Last evaluated: 2025-01-17. Review status: criteria provided, single submitter. Criteria: ACMG Guidelines, 2015. Collection method: clinical testing. Allele origin: germline. Observed: 1 variant allele.
Comment: PM2_supporting